The following is an entry in ClinVar:

NM_000368.5(TSC1):c.363+3A>G

Gene: TSC1 (TSC complex subunit 1; minus strand). Cytogenetic location: 9q34.13.
Variant type: single nucleotide variant.
Coding change: c.363+3A>G on transcript NM_000368.5 (MANE Select); 3 bases into the intron after coding-DNA position 363, A replaced by G.
Molecular consequence: intron variant.
Genome position (GRCh38, 1-based): chr9:132,925,584, T>C on the plus strand (A>G on the coding strand, the complement: TSC1 is on the minus strand). VCF-style: chr9-132925584-T-C. GRCh37 (hg19) VCF-style: chr9-135800971-T-C.
Other names: c.-1+3A>G (NM_001362177.2); c.210+1617A>G (NM_001162427.2); c.363+3A>G (NM_001162426.2).
Identifiers: ClinVar variation 649931 (VCV000649931.6), dbSNP rs1588355128, ClinGen allele CA915947267.
Genomic context (GRCh38, chr9:132,925,584, plus strand): 5'-GCCTAAAATTTCAGAAACTATACTCATAAAACCATTTCATTCAAATCCTTACAAACATCC[T>C]ACCTTGAGACATTTTAGTAAAGAAGGCAAAAGAGGTGCTTGAGAGAGCTTATGCTTCCAA-3'

ClinVar aggregate classification (germline): Uncertain significance (1 of 4 stars; one submission).

Conditions:
Tuberous sclerosis 1 (TSC1). Identifiers: Orphanet 805, MedGen C1854465, MONDO:0008612, OMIM 191100.

Submission:

Labcorp Genetics (formerly Invitae), Labcorp
Classification: Uncertain significance for Tuberous sclerosis 1. Last evaluated: 2018-07-05. Review status: criteria provided, single submitter. Criteria: Invitae Variant Classification Sherloc (09022015). Collection method: clinical testing. Allele origin: germline.
Comment: This sequence change falls in intron 5 of the TSC1 gene. It does not directly change the encoded amino acid sequence of the TSC1 protein, but it affects a nucleotide within the consensus splice site of the intron. This variant is not present in population databases (ExAC no frequency). This variant has not been reported in the literature in individuals with TSC1-related disease. Nucleotide substitutions within the consensus splice site are a relatively common cause of aberrant splicing (PMID: 17576681, 9536098). Algorithms developed to predict the effect of sequence changes on RNA splicing suggest that this variant may disrupt the consensus splice site, but this prediction has not been confirmed by published transcriptional studies. In summary, the available evidence is currently insufficient to determine the role of this variant in disease. Therefore, it has been classified as a Variant of Uncertain Significance.

Literature cited by the submitters: PubMed 17576681; PubMed 9536098.